The following is an entry in ClinVar:

NM_000287.4(PEX6):c.1816C>T (p.Arg606Trp)

Gene: PEX6 (peroxisomal biogenesis factor 6; minus strand). Cytogenetic location: 6p21.1.
Variant type: single nucleotide variant.
Coding change: c.1816C>T on transcript NM_000287.4 (MANE Select); coding-DNA position 1816, C replaced by T.
Protein change: p.Arg606Trp; replaces arginine 606 with tryptophan.
Molecular consequence: missense variant. On other transcripts: non-coding transcript variant (1).
Genome position (GRCh38, 1-based): chr6:42,967,436, G>A on the plus strand (C>T on the coding strand, the complement: PEX6 is on the minus strand). VCF-style: chr6-42967436-G-A. GRCh37 (hg19) VCF-style: chr6-42935174-G-A.
Other names: p.Arg606Trp; c.1552C>T, p.Arg518Trp (NM_001316313.2); short protein forms R518W, R606W.
Identifiers: ClinVar variation 2139963 (VCV002139963.3), dbSNP rs749575355, ClinGen allele CA3811214.

ClinVar aggregate classification (germline): Uncertain significance. Review status: criteria provided, multiple submitters, no conflicts (2 of 4 stars). 2 submissions from 2 submitters: Uncertain significance (2). Last evaluated 2025-09-19.

Conditions:
Peroxisome biogenesis disorder. Identifiers: Orphanet 79189, MedGen C1832200, MONDO:0019234. Disease mechanism: loss of function.

Allele frequency attached by ClinVar (database versions not stated): TOPMed 0.00001; gnomAD 0.00003.

Submissions (2):

Mayo Clinic Laboratories, Mayo Clinic
Classification: Uncertain significance. Last evaluated: 2025-09-19. Review status: criteria provided, single submitter. Criteria: ACMG Guidelines, 2015. Collection method: clinical testing. Allele origin: germline. Observed: 1 variant allele.

Labcorp Genetics (formerly Invitae), Labcorp
Classification: Uncertain significance for Peroxisome biogenesis disorder. Last evaluated: 2024-01-08. Review status: criteria provided, single submitter. Criteria: Invitae Variant Classification Sherloc (09022015). Collection method: clinical testing. Allele origin: germline.
Comment: This sequence change replaces arginine, which is basic and polar, with tryptophan, which is neutral and slightly polar, at codon 606 of the PEX6 protein (p.Arg606Trp). This variant is present in population databases (rs749575355, gnomAD 0.02%). This variant has not been reported in the literature in individuals affected with PEX6-related conditions. ClinVar contains an entry for this variant (Variation ID: 2139963). Advanced modeling of protein sequence and biophysical properties (such as structural, functional, and spatial information, amino acid conservation, physicochemical variation, residue mobility, and thermodynamic stability) has been performed at Invitae for this missense variant, however the output from this modeling did not meet the statistical confidence thresholds required to predict the impact of this variant on PEX6 protein function. In summary, the available evidence is currently insufficient to determine the role of this variant in disease. Therefore, it has been classified as a Variant of Uncertain Significance.